The following is an entry in ClinVar:

ClinVar aggregate classification (germline): Uncertain significance. Review status: criteria provided, multiple submitters, no conflicts (2 of 4 stars). 3 submissions from 3 submitters: Uncertain significance (3). Last evaluated 2025-10-20.

Conditions:
SOS1-related disorder. Also called: SOS1-related condition.
RASopathy. Also called: rasopathies; Noonan spectrum disorder. Identifiers: Orphanet 536391, MedGen C5555857, MONDO:0021060.

Allele frequency attached by ClinVar (database versions not stated): gnomAD exomes below 0.00001.
gnomAD v4.1: 1 of 1,568,860 alleles (0.000064%); highest among the groups gnomAD compares: Non-Finnish European, 0.000088%; no homozygotes.

Submissions (3):

Labcorp Genetics (formerly Invitae), Labcorp
Classification: Uncertain significance for RASopathy. Last evaluated: 2025-10-20. Review status: criteria provided, single submitter. Criteria: Invitae Variant Classification Sherloc (09022015). Collection method: clinical testing. Allele origin: germline.
Comment: This sequence change replaces isoleucine, which is neutral and non-polar, with threonine, which is neutral and polar, at codon 185 of the SOS1 protein (p.Ile185Thr). This variant is not present in population databases (gnomAD no frequency). This variant has not been reported in the literature in individuals affected with SOS1-related conditions. ClinVar contains an entry for this variant (Variation ID: 2910798). Invitae Evidence Modeling of protein sequence and biophysical properties (such as structural, functional, and spatial information, amino acid conservation, physicochemical variation, residue mobility, and thermodynamic stability) indicates that this missense variant is not expected to disrupt SOS1 protein function with a negative predictive value of 95%. In summary, the available evidence is currently insufficient to determine the role of this variant in disease. Therefore, it has been classified as a Variant of Uncertain Significance.

CeGaT Center for Human Genetics Tuebingen
Classification: Uncertain significance. Last evaluated: 2025-10-01. Review status: criteria provided, single submitter. Criteria: CeGaT Center For Human Genetics Tuebingen Variant Classification Criteria Version 2. Collection method: clinical testing. Allele origin: germline. Affected: yes. Observed: 1 variant allele.
Comment: SOS1: PM2

PreventionGenetics, part of Exact Sciences
Classification: Uncertain significance for SOS1-related condition. Last evaluated: 2025-03-18. Review status: criteria provided, single submitter. Criteria: ACMG Guidelines, 2015. Collection method: clinical testing. Allele origin: germline.
Comment: The SOS1 c.554T>C variant is predicted to result in the amino acid substitution p.Ile185Thr. To our knowledge, this variant has not been reported in the literature or in a large population database (gnomAD), indicating this variant is rare. At this time, the clinical significance of this variant is uncertain due to the absence of conclusive functional and genetic evidence.

NM_005633.4(SOS1):c.554T>C (p.Ile185Thr)

Gene: SOS1 (SOS Ras/Rac guanine nucleotide exchange factor 1; minus strand). Cytogenetic location: 2p22.1.
Variant type: single nucleotide variant.
Coding change: c.554T>C on transcript NM_005633.4 (MANE Select); coding-DNA position 554, T replaced by C.
Protein change: p.Ile185Thr; replaces isoleucine 185 with threonine.
Molecular consequence: missense variant.
Genome position (GRCh38, 1-based): chr2:39,054,780, A>G on the plus strand (T>C on the coding strand, the complement: SOS1 is on the minus strand). VCF-style: chr2-39054780-A-G. GRCh37 (hg19) VCF-style: chr2-39281921-A-G.
Other names: c.533T>C, p.Ile178Thr (NM_001382394.1); c.554T>C, p.Ile185Thr (NM_001382395.1); short protein forms I185T, I178T.
Identifiers: ClinVar variation 2910798 (VCV002910798.11), dbSNP rs1310407153, ClinGen allele CA346373264.